The following is an entry in ClinVar:

ClinVar aggregate classification (germline): Uncertain significance. Review status: criteria provided, multiple submitters, no conflicts (2 of 4 stars). 2 submissions from 2 submitters: Uncertain significance (2). Last evaluated 2023-02-28.

Conditions:
X-linked lymphoproliferative disease due to XIAP deficiency. Also called: XIAP-Related Lymphoproliferative Disease, X-Linked; XIAP DEFICIENCY. Identifiers: Orphanet 2442, Orphanet 538934, MedGen C1845076, MONDO:0010385, OMIM 300635.

Allele frequency attached by ClinVar (database versions not stated): TOPMed 0.00001; gnomAD exomes 0.00001.

Submissions (2):

Blueprint Genetics
Classification: Uncertain significance. Last evaluated: 2023-02-28. Review status: criteria provided, single submitter. Criteria: ACMG Guidelines, 2015. Collection method: clinical testing. Allele origin: germline.

Labcorp Genetics (formerly Invitae), Labcorp
Classification: Uncertain significance for X-linked lymphoproliferative disease due to XIAP deficiency. Last evaluated: 2022-09-01. Review status: criteria provided, single submitter. Criteria: Invitae Variant Classification Sherloc (09022015). Collection method: clinical testing. Allele origin: germline.
Comment: Algorithms developed to predict the effect of missense changes on protein structure and function output the following: SIFT: "Not Available"; PolyPhen-2: "Benign"; Align-GVGD: "Not Available". The cysteine amino acid residue is found in multiple mammalian species, which suggests that this missense change does not adversely affect protein function. In summary, the available evidence is currently insufficient to determine the role of this variant in disease. Therefore, it has been classified as a Variant of Uncertain Significance. ClinVar contains an entry for this variant (Variation ID: 1009947). This variant has not been reported in the literature in individuals affected with XIAP-related conditions. This variant is present in population databases (no rsID available, gnomAD 0.001%), including at least one homozygous and/or hemizygous individual. This sequence change replaces tyrosine, which is neutral and polar, with cysteine, which is neutral and slightly polar, at codon 485 of the XIAP protein (p.Tyr485Cys).

NM_001167.4(XIAP):c.1454A>G (p.Tyr485Cys)

Gene: XIAP (X-linked inhibitor of apoptosis; plus strand). Cytogenetic location: Xq25.
Variant type: single nucleotide variant.
Coding change: c.1454A>G on transcript NM_001167.4 (MANE Select); coding-DNA position 1454, A replaced by G.
Protein change: p.Tyr485Cys; replaces tyrosine 485 with cysteine.
Molecular consequence: missense variant. On other transcripts: non-coding transcript variant (2).
Genome position (GRCh38, 1-based): chrX:123,907,141, A>G. VCF-style: chrX-123907141-A-G. GRCh37 (hg19) VCF-style: chrX-123040991-A-G.
Other names: c.1454A>G, p.Tyr485Cys (NM_001204401.2, NM_001378590.1, NM_001378591.1 and 1 more transcripts); short protein forms Y485C.
Identifiers: ClinVar variation 1009947 (VCV001009947.9), dbSNP rs1417605676, ClinGen allele CA414128220.